The following is an entry in ClinVar:

NM_199420.4(POLQ):c.5632A>G (p.Ser1878Gly)

Gene: POLQ (DNA polymerase theta; minus strand). Cytogenetic location: 3q13.33.
Variant type: single nucleotide variant.
Coding change: c.5632A>G on transcript NM_199420.4 (MANE Select); coding-DNA position 5632, A replaced by G.
Protein change: p.Ser1878Gly; replaces serine 1878 with glycine.
Molecular consequence: missense variant.
Genome position (GRCh38, 1-based): chr3:121,485,182, T>C on the plus strand (A>G on the coding strand, the complement: POLQ is on the minus strand). VCF-style: chr3-121485182-T-C. GRCh37 (hg19) VCF-style: chr3-121204029-T-C.
Other names: short protein forms S1878G.
Identifiers: ClinVar variation 2448961 (VCV002448961.2), dbSNP rs2546783063, ClinGen allele CA354089417.

ClinVar aggregate classification (germline): Uncertain significance (1 of 4 stars; one submission).

Submission:

Ambry Genetics
Classification: Uncertain significance. Last evaluated: 2022-12-26. Review status: criteria provided, single submitter. Criteria: Ambry Variant Classification Scheme 2023. Collection method: clinical testing. Allele origin: germline.
Comment: The p.S1878G variant (also known as c.5632A>G), located in coding exon 17 of the POLQ gene, results from an A to G substitution at nucleotide position 5632. The serine at codon 1878 is replaced by glycine, an amino acid with similar properties. This amino acid position is conserved. In addition, this alteration is predicted to be tolerated by in silico analysis. Since supporting evidence is limited at this time, the clinical significance of this alteration remains unclear.